The following is an entry in ClinVar:

NM_001743.6(CALM2):c.412A>C (p.Asn138His)

Gene: CALM2 (calmodulin 2; minus strand). Cytogenetic location: 2p21.
Variant type: single nucleotide variant.
Coding change: c.412A>C on transcript NM_001743.6 (MANE Select); coding-DNA position 412, A replaced by C.
Protein change: p.Asn138His; replaces asparagine 138 with histidine.
Molecular consequence: missense variant.
Genome position (GRCh38, 1-based): chr2:47,161,732, T>G on the plus strand (A>C on the coding strand, the complement: CALM2 is on the minus strand). VCF-style: chr2-47161732-T-G. GRCh37 (hg19) VCF-style: chr2-47388871-T-G.
Other names: c.556A>C, p.Asn186His (NM_001305624.1); c.304A>C, p.Asn102His (NM_001305625.2, NM_001305626.1); short protein forms N102H, N138H, N186H.
Identifiers: ClinVar variation 4072804 (VCV004072804.1).

ClinVar aggregate classification (germline): Uncertain significance (1 of 4 stars; one submission).

Submission:

GeneDx
Classification: Uncertain significance. Last evaluated: 2025-02-04. Review status: criteria provided, single submitter. Criteria: GeneDx Variant Classification Process June 2021. Collection method: clinical testing. Allele origin: germline. Affected: yes.
Comment: Not observed at significant frequency in large population cohorts (gnomAD); In silico analysis supports that this missense variant has a deleterious effect on protein structure/function; Has not been previously published as pathogenic or benign to our knowledge